The following is an entry in ClinVar:

ClinVar aggregate classification (germline): Uncertain significance (1 of 4 stars; one submission).

Allele frequency attached by ClinVar (database versions not stated): gnomAD exomes below 0.00001; gnomAD 0.00001.

Submission:

Labcorp Genetics (formerly Invitae), Labcorp
Classification: Uncertain significance. Last evaluated: 2022-03-27. Review status: criteria provided, single submitter. Criteria: Invitae Variant Classification Sherloc (09022015). Collection method: clinical testing. Allele origin: germline.
Comment: This sequence change replaces glutamic acid, which is acidic and polar, with aspartic acid, which is acidic and polar, at codon 313 of the CYP27B1 protein (p.Glu313Asp). This variant is not present in population databases (gnomAD no frequency). This variant has not been reported in the literature in individuals affected with CYP27B1-related conditions. Advanced modeling of protein sequence and biophysical properties (such as structural, functional, and spatial information, amino acid conservation, physicochemical variation, residue mobility, and thermodynamic stability) performed at Invitae indicates that this missense variant is not expected to disrupt CYP27B1 protein function. In summary, the available evidence is currently insufficient to determine the role of this variant in disease. Therefore, it has been classified as a Variant of Uncertain Significance.

NM_000785.4(CYP27B1):c.939G>C (p.Glu313Asp)

Gene: CYP27B1 (cytochrome P450 family 27 subfamily B member 1; minus strand). Cytogenetic location: 12q14.1.
Variant type: single nucleotide variant.
Coding change: c.939G>C on transcript NM_000785.4 (MANE Select); coding-DNA position 939, G replaced by C.
Protein change: p.Glu313Asp; replaces glutamic acid 313 with aspartic acid.
Molecular consequence: missense variant.
Genome position (GRCh38, 1-based): chr12:57,764,778, C>G on the plus strand (G>C on the coding strand, the complement: CYP27B1 is on the minus strand). VCF-style: chr12-57764778-C-G. GRCh37 (hg19) VCF-style: chr12-58158561-C-G.
Other names: short protein forms E313D.
Identifiers: ClinVar variation 1929411 (VCV001929411.2), dbSNP rs1955344935, ClinGen allele CA385504413.